The following is an entry in ClinVar:

ClinVar aggregate classification (germline): Pathogenic. Review status: criteria provided, multiple submitters, no conflicts (2 of 4 stars). 4 submissions from 4 submitters: Pathogenic (4). Last evaluated 2024-01-03.

Conditions:
Hereditary cancer-predisposing syndrome. Also called: Tumor predisposition; Neoplastic Syndromes, Hereditary; Hereditary Cancer Syndrome; Hereditary neoplastic syndrome. Identifiers: Orphanet 140162, MedGen C0027672, MeSH D009386, MONDO:0015356.
Fanconi anemia complementation group O. Also called: RAD51C-Related Fanconi Anemia. Identifiers: Orphanet 84, MedGen C3150653, MONDO:0013248, OMIM 613390.
Breast-ovarian cancer, familial, susceptibility to, 3. Also called: RAD51C-Related Breast/Ovarian Cancer. Identifiers: Orphanet 145, MedGen C3150659, MONDO:0013253, OMIM 613399.

Allele frequency attached by ClinVar (database versions not stated): gnomAD 0.00001.
gnomAD v4.1: 1 of 1,611,944 alleles (0.000062%); highest among the groups gnomAD compares: Non-Finnish European, 0.000085%; no homozygotes.

Submissions (4):

Myriad Genetics, Inc.
Classification: Pathogenic for Breast-ovarian cancer, familial, susceptibility to, 3. Last evaluated: 2024-01-03. Review status: criteria provided, single submitter. Criteria: Myriad Autosomal Dominant, Autosomal Recessive and X-Linked Classification Criteria (2023). Collection method: clinical testing. Allele origin: unknown.
Comment: This variant is considered pathogenic. This variant creates a termination codon and is predicted to result in premature protein truncation.

Ambry Genetics
Classification: Pathogenic for Hereditary cancer-predisposing syndrome. Last evaluated: 2023-02-17. Review status: criteria provided, single submitter. Criteria: Ambry Variant Classification Scheme 2023. Collection method: clinical testing. Allele origin: germline.
Comment: The p.S231* pathogenic mutation (also known as c.692C>G), located in coding exon 4 of the RAD51C gene, results from a C to G substitution at nucleotide position 692. This changes the amino acid from a serine to a stop codon within coding exon 4. This alteration has been identified in a cohort of high-risk breast/ovarian cancer patients (Cast&eacute;ra L et al. Eur J Hum Genet, 2014 Nov;22:1305-13). In addition to the clinical data presented in the literature, this alteration is expected to result in loss of function by premature protein truncation or nonsense-mediated mRNA decay. As such, this alteration is interpreted as a disease-causing mutation.

Labcorp Genetics (formerly Invitae), Labcorp
Classification: Pathogenic for Fanconi anemia complementation group O. Last evaluated: 2022-03-23. Review status: criteria provided, single submitter. Criteria: Invitae Variant Classification Sherloc (09022015). Collection method: clinical testing. Allele origin: germline.
Comment: The frequency data for this variant in the population databases is considered unreliable, as metrics indicate poor data quality at this position in the gnomAD database. For these reasons, this variant has been classified as Pathogenic. ClinVar contains an entry for this variant (Variation ID: 629241). This premature translational stop signal has been observed in individual(s) with a personal and/or family history of breast and/or ovarian cancer (PMID: 24549055). This sequence change creates a premature translational stop signal (p.Ser231*) in the RAD51C gene. It is expected to result in an absent or disrupted protein product. Loss-of-function variants in RAD51C are known to be pathogenic (PMID: 20400964, 21990120, 24800917).

Color Diagnostics, LLC DBA Color Health
Classification: Pathogenic for Hereditary cancer-predisposing syndrome. Last evaluated: 2020-01-15. Review status: criteria provided, single submitter. Criteria: ACMG Guidelines, 2015. Collection method: clinical testing. Allele origin: germline.
Comment: This variant changes 1 nucleotide in exon 4 of the RAD51C gene, creating a premature translation stop signal. This variant is expected to result in an absent or non-functional protein product. This variant has not been identified in the general population by the Genome Aggregation Database (gnomAD). Loss of RAD51C function is a known mechanism of disease. Based on the available evidence, this variant is classified as Pathogenic.

Literature cited by the submitters: PubMed 24549055 (cited by Ambry Genetics and Labcorp Genetics (formerly Invitae), Labcorp); PubMed 20400964 (cited by Labcorp Genetics (formerly Invitae), Labcorp); PubMed 21990120 (cited by Labcorp Genetics (formerly Invitae), Labcorp); PubMed 24800917 (cited by Labcorp Genetics (formerly Invitae), Labcorp).

NM_058216.3(RAD51C):c.692C>G (p.Ser231Ter)

Genes: RAD51C (RAD51 paralog C; plus strand), LOC129390903 (MPRA-validated peak2919 silencer; plus strand). Cytogenetic location: 17q22.
Variant type: single nucleotide variant.
Coding change: c.692C>G on transcript NM_058216.3 (MANE Select); coding-DNA position 692, C replaced by G.
Protein change: p.Ser231Ter; replaces serine 231 with a stop codon.
Molecular consequence: nonsense. On other transcripts: non-coding transcript variant (1).
Genome position (GRCh38, 1-based): chr17:58,703,316, C>G. VCF-style: chr17-58703316-C-G. GRCh37 (hg19) VCF-style: chr17-56780677-C-G.
Other names: c.692C>G (NM_058216.1); short protein forms S231*.
Identifiers: ClinVar variation 629241 (VCV000629241.15), dbSNP rs1060502588, ClinGen allele CA400350091.